The following is an entry in ClinVar:

NM_000540.3(RYR1):c.9899C>T (p.Ala3300Val)

Gene: RYR1 (ryanodine receptor 1; plus strand). Cytogenetic location: 19q13.2.
Variant type: single nucleotide variant.
Coding change: c.9899C>T on transcript NM_000540.3 (MANE Select); coding-DNA position 9899, C replaced by T.
Protein change: p.Ala3300Val; replaces alanine 3300 with valine.
Molecular consequence: missense variant.
Genome position (GRCh38, 1-based): chr19:38,517,572, C>T. VCF-style: chr19-38517572-C-T. GRCh37 (hg19) VCF-style: chr19-39008212-C-T.
Other names: c.9899C>T, p.Ala3300Val (NM_001042723.2); short protein forms A3300V.
Identifiers: ClinVar variation 864497 (VCV000864497.11), dbSNP rs749718772, ClinGen allele CA074314.

ClinVar aggregate classification (germline): Uncertain significance. Review status: criteria provided, multiple submitters, no conflicts (2 of 4 stars). 4 submissions from 4 submitters: Uncertain significance (3). 1 of the submissions does not count toward it. Last evaluated 2024-03-06.

Conditions:
RYR1-related disorder. Also called: RYR1-related disorders; RYR1-related condition. Identifiers: MedGen CN239331.
Malignant hyperthermia, susceptibility to, 1 (MHS1). Also called: Anesthesia related hyperthermia; Malignant hyperpyrexia; Fulminating hyperpyrexia; Pharmacogenic myopathy; Malignant hyperthermia suceptibility 1; RYR1-Related Malignant Hyperthermia Susceptibility. Identifiers: Orphanet 423, MedGen C2930980, MONDO:0007783, OMIM 145600.

Allele frequency attached by ClinVar (database versions not stated): ExAC 0.00001; TOPMed 0.00002; gnomAD 0.00003.
gnomAD v4.1: 29 of 1,613,304 alleles (0.0018%); highest among the groups gnomAD compares: East Asian, 0.0022%; 1 homozygote.

Submissions (4):

Color Diagnostics, LLC DBA Color Health
Classification: Uncertain significance for Malignant hyperthermia, susceptibility to, 1. Last evaluated: 2024-03-06. Review status: criteria provided, single submitter. Criteria: ACMG Guidelines, 2015. Collection method: clinical testing. Allele origin: germline.
Comment: This missense variant replaces alanine with valine at codon 3300 of the RYR1 protein. Computational prediction suggests that this variant may not impact protein structure and function. To our knowledge, functional studies have not been reported for this variant. This variant has not been reported in individuals affected with RYR1-related disorders in the literature. This variant has not been identified in the general population by the Genome Aggregation Database (gnomAD). The available evidence is insufficient to determine the role of this variant in disease conclusively. Therefore, this variant is classified as a Variant of Uncertain Significance.

All of Us Research Program, National Institutes of Health
Classification: Uncertain significance for Malignant hyperthermia, susceptibility to, 1. Last evaluated: 2024-01-11. Review status: criteria provided, single submitter. Criteria: ACMG Guidelines, 2015. Collection method: clinical testing. Allele origin: germline. Inheritance: Autosomal dominant inheritance. Observed: 4 variant alleles, 4 heterozygotes.
Comment: This missense variant replaces alanine with valine at codon 3300 of the RYR1 protein. Computational prediction suggests that this variant may not impact protein structure and function (internally defined REVEL score threshold <= 0.5, PMID: 27666373). To our knowledge, functional studies have not been reported for this variant. This variant has not been reported in individuals affected with RYR1-related disorders in the literature. This variant has not been identified in the general population by the Genome Aggregation Database (gnomAD). The available evidence is insufficient to determine the role of this variant in disease conclusively. Therefore, this variant is classified as a Variant of Uncertain Significance.

This study involves interpretation of variants in research participants for the purpose of population health screening. Participant phenotype was not available at the time of variant classification. Additional details can be found in publication PMID: 35346344, PMCID: PMC8962531

Labcorp Genetics (formerly Invitae), Labcorp
Classification: Uncertain significance for RYR1-related disorder. Last evaluated: 2023-09-19. Review status: criteria provided, single submitter. Criteria: Invitae Variant Classification Sherloc (09022015). Collection method: clinical testing. Allele origin: germline.
Comment: This variant is present in population databases (rs749718772, gnomAD 0.004%). In summary, the available evidence is currently insufficient to determine the role of this variant in disease. Therefore, it has been classified as a Variant of Uncertain Significance. Advanced modeling of protein sequence and biophysical properties (such as structural, functional, and spatial information, amino acid conservation, physicochemical variation, residue mobility, and thermodynamic stability) performed at Invitae indicates that this missense variant is not expected to disrupt RYR1 protein function. ClinVar contains an entry for this variant (Variation ID: 864497). This variant has not been reported in the literature in individuals affected with RYR1-related conditions. This sequence change replaces alanine, which is neutral and non-polar, with valine, which is neutral and non-polar, at codon 3300 of the RYR1 protein (p.Ala3300Val).

Department of Pathology and Laboratory Medicine, Sinai Health System
Classification: Uncertain significance. Review status: no assertion criteria provided. Collection method: clinical testing. Allele origin: unknown. Affected: yes. Study: The Canadian Open Genetics Repository (COGR). Not counted in ClinVar's aggregate classification.
Comment: The RYR1 p.Ala3300Val variant was not identified in the literature nor was it identified in the ClinVar, Cosmic, MutDB or LOVD 3.0 databases. The variant was identified in dbSNP (ID: rs749718772) and in control databases in 5 of 278998 chromosomes at a frequency of 0.000018 (Genome Aggregation Database Feb 27, 2017). The variant was observed in the following populations: African in 1 of 24758 chromosomes (freq: 0.00004) and European (non-Finnish) in 4 of 125900 chromosomes (freq: 0.000032), but not in the Latino, Ashkenazi Jewish, East Asian, European (Finnish), Other, and South Asian populations. The p.Ala3300 residue is not conserved in mammals and five out of five computational analyses (PolyPhen-2, SIFT, AlignGVGD, BLOSUM, MutationTaster) do not suggest a high likelihood of impact to the protein; however, this information is not predictive enough to rule out pathogenicity. In summary, based on the above information the clinical significance of this variant cannot be determined with certainty at this time. This variant is classified as a variant of uncertain significance.